The following is an entry in ClinVar:

NM_024876.4(COQ8B):c.222+6A>G

Gene: COQ8B (coenzyme Q8B; minus strand). Cytogenetic location: 19q13.2.
Variant type: single nucleotide variant.
Coding change: c.222+6A>G on transcript NM_024876.4 (MANE Select); 6 bases into the intron after coding-DNA position 222, A replaced by G.
Molecular consequence: intron variant.
Genome position (GRCh38, 1-based): chr19:40,714,272, T>C on the plus strand (A>G on the coding strand, the complement: COQ8B is on the minus strand). VCF-style: chr19-40714272-T-C. GRCh37 (hg19) VCF-style: chr19-41220177-T-C.
Other names: c.222+6A>G (NM_001142555.3).
Identifiers: ClinVar variation 2023057 (VCV002023057.4), dbSNP rs2515515134, ClinGen allele CA2580097276.

ClinVar aggregate classification (germline): Uncertain significance (1 of 4 stars; one submission).

Allele frequency attached by ClinVar (database versions not stated): gnomAD exomes below 0.00001.
gnomAD v4.1: 1 of 1,610,754 alleles (0.000062%); highest among the groups gnomAD compares: Non-Finnish European, 0.000085%; no homozygotes.

Submission:

Labcorp Genetics (formerly Invitae), Labcorp
Classification: Uncertain significance. Last evaluated: 2024-12-02. Review status: criteria provided, single submitter. Criteria: Invitae Variant Classification Sherloc (09022015). Collection method: clinical testing. Allele origin: germline.
Comment: This sequence change falls in intron 3 of the COQ8B gene. It does not directly change the encoded amino acid sequence of the COQ8B protein. It affects a nucleotide within the consensus splice site. This variant is not present in population databases (gnomAD no frequency). This variant has not been reported in the literature in individuals affected with COQ8B-related conditions. ClinVar contains an entry for this variant (Variation ID: 2023057). Variants that disrupt the consensus splice site are a relatively common cause of aberrant splicing (PMID: 17576681, 9536098). Algorithms developed to predict the effect of sequence changes on RNA splicing suggest that this variant is not likely to affect RNA splicing. In summary, the available evidence is currently insufficient to determine the role of this variant in disease. Therefore, it has been classified as a Variant of Uncertain Significance.

Literature cited by the submitters: PubMed 17576681; PubMed 9536098.